The following is an entry in ClinVar:

NM_001854.4(COL11A1):c.4660dup (p.Thr1554fs)

Gene: COL11A1 (collagen type XI alpha 1 chain; minus strand). Cytogenetic location: 1p21.1.
Variant type: Duplication.
Coding change: c.4660dup on transcript NM_001854.4 (MANE Select); coding-DNA position 4660, one base duplicated (A; older notation c.4660dupA).
Protein change: p.Thr1554fs; shifts the reading frame from threonine 1554.
Molecular consequence: frameshift variant. On other transcripts: non-coding transcript variant (1).
Genome position (GRCh38, 1-based): chr1:102,887,005, T duplicated on the plus strand (A on the coding strand, the reverse complement: COL11A1 is on the minus strand); the first of 7 consecutive T bases (chr1:102,887,005-102,887,011); duplicating any one gives the same sequence. VCF-style (leftmost placement, unchanged base first): chr1-102887004-G-GT. GRCh37 (hg19) VCF-style: chr1-103352560-G-GT.
Other names: c.4543dup, p.Thr1515fs (NM_001190709.2); c.4696dup, p.Thr1566fs (NM_080629.3); c.4312dup, p.Thr1438fs (NM_080630.4); c.4660dupA (NM_001854.3); c.4660dup (NM_001854.3); short protein forms T1566fs, T1554fs, T1438fs, T1515fs.
Identifiers: ClinVar variation 817811 (VCV000817811.2), dbSNP rs1570630126, ClinGen allele CA419253756.

ClinVar aggregate classification (germline): Likely pathogenic (1 of 4 stars; one submission).

Submission:

GeneDx
Classification: Likely pathogenic. Last evaluated: 2025-05-13. Review status: criteria provided, single submitter. Criteria: GeneDx Variant Classification Process June 2021. Collection method: clinical testing. Allele origin: germline. Affected: yes.
Comment: Frameshift variant predicted to result in protein truncation and nonsense mediated decay in a gene for which loss-of-function is a known mechanism of disease; Not observed at significant frequency in large population cohorts (gnomAD); Has not been previously published as pathogenic or benign to our knowledge